The following is an entry in ClinVar:

ClinVar aggregate classification (germline): Uncertain significance (1 of 4 stars; one submission).

Submission:

Women's Health and Genetics/Laboratory Corporation of America, LabCorp
Classification: Uncertain significance. Last evaluated: 2025-08-19. Review status: criteria provided, single submitter. Criteria: LabCorp Variant Classification Summary - May 2015. Collection method: clinical testing. Allele origin: germline.
Comment: Variant summary: ADGRV1 c.3214A>T (p.Ile1072Leu) results in a conservative amino acid change located in the Na-Ca exchanger/integrin-beta4 (IPR003644) of the encoded protein sequence. Algorithms developed to predict the effect of missense changes on protein structure and function all suggest that this variant is likely to be tolerated. The variant was absent in 249060 control chromosomes. The available data on variant occurrences in the general population are insufficient to allow any conclusion about variant significance. To our knowledge, no occurrence of c.3214A>T in individuals affected with ADGRV1-Related Disorders and no experimental evidence demonstrating its impact on protein function have been reported. ClinVar contains an entry for this variant (Variation ID: 3375025). Based on the evidence outlined above, the variant was classified as uncertain significance.

NM_032119.4(ADGRV1):c.3214A>T (p.Ile1072Leu)

Gene: ADGRV1 (adhesion G protein-coupled receptor V1; plus strand). Cytogenetic location: 5q14.3.
Variant type: single nucleotide variant.
Coding change: c.3214A>T on transcript NM_032119.4 (MANE Select); coding-DNA position 3214, A replaced by T.
Protein change: p.Ile1072Leu; replaces isoleucine 1072 with leucine.
Molecular consequence: missense variant. On other transcripts: non-coding transcript variant (1).
Genome position (GRCh38, 1-based): chr5:90,647,689, A>T. VCF-style: chr5-90647689-A-T. GRCh37 (hg19) VCF-style: chr5-89943506-A-T.
Other names: short protein forms I1072L.
Identifiers: ClinVar variation 3375025 (VCV003375025.2).